The following is an entry in ClinVar:

ClinVar aggregate classification (germline): Likely benign (1 of 4 stars; one submission).

Conditions:
TRPM1-related disorder. Also called: TRPM1-related condition.

gnomAD v4.1: 85 of 1,612,590 alleles (0.0053%); highest among the groups gnomAD compares: East Asian, 0.18%; 1 homozygote.

Submission:

PreventionGenetics, part of Exact Sciences
Classification: Likely benign for TRPM1-related condition. Last evaluated: 2025-11-16. Review status: criteria provided, single submitter. Criteria: ACMG Guidelines, 2015. Collection method: clinical testing. Allele origin: germline.
Comment: This variant is classified as likely benign based on ACMG/AMP sequence variant interpretation guidelines (Richards et al. 2015 PMID: 25741868, with internal and published modifications).

NM_001252024.2(TRPM1):c.492A>C (p.Thr164=)

Gene: TRPM1 (transient receptor potential cation channel subfamily M member 1; minus strand). Cytogenetic location: 15q13.3.
Variant type: single nucleotide variant.
Coding change: c.492A>C on transcript NM_001252024.2 (MANE Select); coding-DNA position 492, A replaced by C.
Protein change: p.Thr164=; no amino-acid change (threonine 164 retained).
Molecular consequence: synonymous variant.
Genome position (GRCh38, 1-based): chr15:31,067,880, T>G on the plus strand (A>C on the coding strand, the complement: TRPM1 is on the minus strand). VCF-style: chr15-31067880-T-G. GRCh37 (hg19) VCF-style: chr15-31360083-T-G.
Other names: c.543A>C, p.Thr181= (NM_001252020.2); c.426A>C, p.Thr142= (NM_002420.6).
Identifiers: ClinVar variation 4988365 (VCV004988365.1).